The following is an entry in ClinVar:

NM_006206.6(PDGFRA):c.517G>C (p.Asp173His)

Gene: PDGFRA (platelet derived growth factor receptor alpha; plus strand). Cytogenetic location: 4q12.
Variant type: single nucleotide variant.
Coding change: c.517G>C on transcript NM_006206.6 (MANE Select); coding-DNA position 517, G replaced by C.
Protein change: p.Asp173His; replaces aspartic acid 173 with histidine.
Molecular consequence: missense variant.
Genome position (GRCh38, 1-based): chr4:54,263,816, G>C. VCF-style: chr4-54263816-G-C. GRCh37 (hg19) VCF-style: chr4-55129983-G-C.
Other names: c.517G>C, p.Asp173His (NM_001347827.2, NM_001347829.2); c.592G>C, p.Asp198His (NM_001347828.2); c.556G>C, p.Asp186His (NM_001347830.2); short protein forms D173H, D198H, D186H.
Identifiers: ClinVar variation 648175 (VCV000648175.18), dbSNP rs763718380, ClinGen allele CA2922306.
Genomic context (GRCh38, chr4:54,263,816, plus strand): 5'-ACTGATCCCGAGACTCCTGTAACCTTACACAACAGTGAGGGGGTGGTACCTGCCTCCTAC[G>C]ACAGCAGACAGGGCTTTAATGGGACCTTCACTGTAGGGCCCTATATCTGTGAGGCCACCG-3'
Protein context (NP_006197.1, residues 163-183): NSEGVVPASY[Asp173His]SRQGFNGTFT

ClinVar aggregate classification (germline): Conflicting classifications of pathogenicity. Review status: criteria provided, conflicting classifications (1 of 4 stars). 4 submissions from 4 submitters: Uncertain significance (3); Likely benign (1). Last evaluated 2025-12-01.

Conditions:
Hereditary cancer-predisposing syndrome. Also called: Neoplastic Syndromes, Hereditary; Tumor predisposition; Hereditary Cancer Syndrome; Hereditary neoplastic syndrome. Identifiers: Orphanet 140162, MedGen C0027672, MeSH D009386, MONDO:0015356.
Polyps, multiple and recurrent inflammatory fibroid, gastrointestinal. Identifiers: MedGen C5193005, MONDO:0008285, OMIM 175510.
Gastrointestinal stromal tumor. Also called: Gastrointestinal stromal tumor, somatic; Gastrointestinal stroma tumor. Identifiers: Orphanet 44890, MedGen C0238198, MeSH D046152, MONDO:0011719, OMIM 606764, HP:0100723.

Allele frequency attached by ClinVar (database versions not stated): TOPMed below 0.00001.
gnomAD v4.1: 7 of 1,613,962 alleles (0.00043%); highest among the groups gnomAD compares: Admixed American, 0.01%; no homozygotes.

Submissions (4):

Labcorp Genetics (formerly Invitae), Labcorp
Classification: Uncertain significance for Gastrointestinal stromal tumor. Last evaluated: 2025-12-01. Review status: criteria provided, single submitter. Criteria: Invitae Variant Classification Sherloc (09022015). Collection method: clinical testing. Allele origin: germline.
Comment: This sequence change replaces aspartic acid, which is acidic and polar, with histidine, which is basic and polar, at codon 173 of the PDGFRA protein (p.Asp173His). This variant is present in population databases (rs763718380, gnomAD 0.02%). This variant has not been reported in the literature in individuals affected with PDGFRA-related conditions. ClinVar contains an entry for this variant (Variation ID: 648175). Invitae Evidence Modeling of protein sequence and biophysical properties (such as structural, functional, and spatial information, amino acid conservation, physicochemical variation, residue mobility, and thermodynamic stability) indicates that this missense variant is not expected to disrupt PDGFRA protein function with a negative predictive value of 80%. In summary, the available evidence is currently insufficient to determine the role of this variant in disease. Therefore, it has been classified as a Variant of Uncertain Significance.

Baylor Genetics
Classification: Uncertain significance for Polyps, multiple and recurrent inflammatory fibroid, gastrointestinal. Last evaluated: 2024-02-22. Review status: criteria provided, single submitter. Criteria: ACMG Guidelines, 2015. Collection method: clinical testing. Allele origin: unknown.

GeneDx
Classification: Uncertain significance. Last evaluated: 2024-02-05. Review status: criteria provided, single submitter. Criteria: GeneDx Variant Classification Process June 2021. Collection method: clinical testing. Allele origin: germline. Affected: yes.
Comment: In silico analysis supports that this missense variant has a deleterious effect on protein structure/function; Has not been previously published as pathogenic or benign to our knowledge

Ambry Genetics
Classification: Likely benign for Hereditary cancer-predisposing syndrome. Last evaluated: 2021-11-12. Review status: criteria provided, single submitter. Criteria: Ambry Variant Classification Scheme 2023. Collection method: clinical testing. Allele origin: germline.